The following is an entry in ClinVar:

NM_000179.3(MSH6):c.3220A>T (p.Met1074Leu)

Gene: MSH6 (mutS homolog 6; plus strand). Cytogenetic location: 2p16.3.
Variant type: single nucleotide variant.
Coding change: c.3220A>T on transcript NM_000179.3 (MANE Select); coding-DNA position 3220, A replaced by T.
Protein change: p.Met1074Leu; replaces methionine 1074 with leucine.
Molecular consequence: missense variant.
Genome position (GRCh38, 1-based): chr2:47,803,467, A>T. VCF-style: chr2-47803467-A-T. GRCh37 (hg19) VCF-style: chr2-48030606-A-T.
Other names: c.2830A>T, p.Met944Leu (NM_001281492.2); c.2314A>T, p.Met772Leu (NM_001281493.2, NM_001281494.2); short protein forms M1074L, M772L, M944L.
Identifiers: ClinVar variation 237185 (VCV000237185.28), dbSNP rs730881804, ClinGen allele CA10582083.
Genomic context (GRCh38, chr2:47,803,467, plus strand): 5'-TCTCTTTTAACAGATGTTTTACTGTGCCTGGCTAACTATAGTCGAGGGGGTGATGGTCCT[A>T]TGTGTCGCCCAGTAATTCTGTTGCCGGAAGATACCCCCCCCTTCTTAGAGCTTAAAGGAT-3'
Protein context (NP_000170.1, residues 1064-1084): ANYSRGGDGP[Met1074Leu]CRPVILLPED

ClinVar aggregate classification (germline): Conflicting classifications of pathogenicity. Review status: criteria provided, conflicting classifications (1 of 4 stars). 9 submissions from 9 submitters: Uncertain significance (7); Benign (1). 1 of the submissions does not count toward it. Last evaluated 2025-12-08.

Conditions:
Hereditary cancer-predisposing syndrome. Also called: Hereditary neoplastic syndrome; Hereditary Cancer Syndrome; Neoplastic Syndromes, Hereditary; Tumor predisposition. Identifiers: Orphanet 140162, MedGen C0027672, MeSH D009386, MONDO:0015356.
Hereditary nonpolyposis colorectal neoplasms. Identifiers: MedGen C0009405, MeSH D003123.
Lynch syndrome. Identifiers: Orphanet 144, MedGen C4552100, MONDO:0005835. Disease mechanism: loss of function.
Lynch syndrome 5 (LYNCH5). Also called: Hereditary non-polyposis colorectal cancer, type 5; Colorectal cancer, hereditary nonpolyposis, type 5. Identifiers: Orphanet 144, MedGen C1833477, MONDO:0013710, OMIM 614350. Disease mechanism: loss of function.
Endometrial carcinoma. Also called: Endometrial carcinoma, somatic. Identifiers: MedGen C0476089, MONDO:0002447, OMIM 608089, HP:0012114.

Allele frequency attached by ClinVar (database versions not stated): gnomAD 0.00002.

Submissions (9):

Labcorp Genetics (formerly Invitae), Labcorp
Classification: Benign for Hereditary nonpolyposis colorectal neoplasms. Last evaluated: 2025-12-08. Review status: criteria provided, single submitter. Criteria: Invitae Variant Classification Sherloc (09022015). Collection method: clinical testing. Allele origin: germline.

Color Diagnostics, LLC DBA Color Health
Classification: Uncertain significance for Hereditary cancer-predisposing syndrome. Last evaluated: 2025-10-07. Review status: criteria provided, single submitter. Criteria: ACMG Guidelines, 2015. Collection method: clinical testing. Allele origin: germline.
Comment: This missense variant replaces methionine with leucine at codon 1074 of the MSH6 protein. Computational prediction suggests that this variant may not impact protein structure and function. To our knowledge, functional studies have not been reported for this variant. This variant has not been reported in individuals affected with MSH6-related disorders in the literature. This variant has been identified in 7/1613942 chromosomes in the general population by the Genome Aggregation Database (gnomAD). The available evidence is insufficient to determine the role of this variant in disease conclusively. Therefore, this variant is classified as a Variant of Uncertain Significance.

Ambry Genetics
Classification: Uncertain significance for Hereditary cancer-predisposing syndrome. Last evaluated: 2025-07-07. Review status: criteria provided, single submitter. Criteria: Ambry Variant Classification Scheme 2023. Collection method: clinical testing. Allele origin: germline.
Comment: The p.M1074L variant (also known as c.3220A>T), located in coding exon 5 of the MSH6 gene, results from an A to T substitution at nucleotide position 3220. The methionine at codon 1074 is replaced by leucine, an amino acid with highly similar properties. This variant was identified in a cohort of 3,579 African males diagnosed with prostate cancer who underwent multi-gene panel testing of 19 DNA repair and cancer predisposition genes (Matejcic M et al. JCO Precis Oncol, 2020 Jan;4:32-43). This amino acid position is well conserved in available vertebrate species. In addition, the in silico prediction for this alteration is inconclusive. Since supporting evidence is limited at this time, the clinical significance of this alteration remains unclear.

All of Us Research Program, National Institutes of Health
Classification: Uncertain significance for Lynch syndrome. Last evaluated: 2024-09-23. Review status: criteria provided, single submitter. Criteria: ACMG Guidelines, 2015. Collection method: clinical testing. Allele origin: germline. Inheritance: Autosomal dominant inheritance. Observed: 1 variant allele, 1 heterozygote.
Comment: This missense variant replaces methionine with leucine at codon 1074 of the MSH6 protein. Computational prediction suggests that this variant may not impact protein structure and function (internally defined REVEL score threshold <= 0.5, PMID: 27666373). Splice site prediction tools suggest that this variant may not impact RNA splicing. To our knowledge, functional studies have not been reported for this variant. This variant has not been reported in individuals affected with hereditary cancer in the literature. This variant has been identified in 2/31388 chromosomes in the general population by the Genome Aggregation Database (gnomAD). The available evidence is insufficient to determine the role of this variant in disease conclusively. Therefore, this variant is classified as a Variant of Uncertain Significance.

This study involves interpretation of variants in research participants for the purpose of population health screening. Participant phenotype was not available at the time of variant classification. Additional details can be found in publication PMID: 35346344, PMCID: PMC8962531

Baylor Genetics
Classification: Uncertain significance for Endometrial carcinoma. Last evaluated: 2024-02-04. Review status: criteria provided, single submitter. Criteria: ACMG Guidelines, 2015. Collection method: clinical testing. Allele origin: unknown.

Myriad Genetics, Inc.
Classification: Uncertain significance for Lynch syndrome 5. Last evaluated: 2023-03-27. Review status: criteria provided, single submitter. Criteria: Myriad Autosomal Dominant, Autosomal Recessive and X-Linked Classification Criteria (2023). Collection method: clinical testing. Allele origin: unknown.
Comment: This variant is classified as a variant of uncertain significance as there is insufficient evidence to determine its impact on protein function and/or cancer risk.

Revvity Omics, Revvity
Classification: Uncertain significance. Last evaluated: 2019-06-20. Review status: criteria provided, single submitter. Criteria: ACMG Guidelines, 2015. Collection method: clinical testing. Allele origin: germline.

GeneDx
Classification: Uncertain significance. Last evaluated: 2017-10-23. Review status: criteria provided, single submitter. Criteria: GeneDx Variant Classification (06012015). Collection method: clinical testing. Allele origin: germline. Affected: yes.
Comment: This variant is denoted MSH6 c.3220A>T at the cDNA level, p.Met1074Leu (M1074L) at the protein level, and results in the change of a Methionine to a Leucine (ATG>TTG). This variant has not, to our knowledge, been published in the literature as pathogenic or benign. MSH6 Met1074Leu was not observed in large population cohorts (Lek 2016, The 1000 Genomes Consortium 2015, NHLBI Exome Sequencing Project). Since Methionine and Leucine share similar properties, this is considered a conservative amino acid substitution. MSH6 Met1074Leu occurs at a position that is conserved in mammals and is located in the Lever domain (Warren 2007, Kansikas 2011). In silico analyses are inconsistent regarding the effect this variant may have on protein structure and function. Based on currently available evidence, it is unclear whether MSH6 Met1074Leu is a pathogenic or benign variant. We consider it to be a variant of uncertain significance.

Counsyl
Classification: Uncertain significance for Lynch syndrome 5. Last evaluated: 2017-09-12. Review status: no assertion criteria provided. Collection method: clinical testing. Allele origin: unknown. Not counted in ClinVar's aggregate classification.

Literature cited by the submitters: PubMed 32832836 (cited by Ambry Genetics).